The following is an entry in ClinVar:

ClinVar aggregate classification (germline): Benign/Likely benign. Review status: criteria provided, multiple submitters, no conflicts (2 of 4 stars). 8 submissions from 8 submitters: Benign (1); Likely benign (7). Last evaluated 2026-06-03.

Conditions:
Cardiovascular phenotype. Identifiers: MedGen CN230736.
Cardiomyopathy (CMYO). Also called: Cardiomyopathies. Identifiers: Orphanet 167848, MedGen C0878544, MONDO:0004994, HP:0001638. Inheritance: Various modes of inheritance.
Hypertrophic cardiomyopathy. Also called: HYPERTROPHIC MYOCARDIOPATHY. Identifiers: Orphanet 217569, MedGen C0007194, MeSH D002312, MONDO:0005045, HP:0001639.

Allele frequency attached by ClinVar (database versions not stated): gnomAD 0.00003 and 0.00004; gnomAD exomes 0.00003 and 0.00004; ExAC 0.00004; TOPMed 0.00005.
gnomAD v4.1: 46 of 1,614,002 alleles (0.0029%); highest among the groups gnomAD compares: East Asian, 0.016%; no homozygotes.

Submissions (8):

Ambry Genetics
Classification: Likely benign for Cardiovascular phenotype. Last evaluated: 2026-06-03. Review status: criteria provided, single submitter. Criteria: Ambry Variant Classification Scheme 2023. Collection method: clinical testing. Allele origin: germline.

Labcorp Genetics (formerly Invitae), Labcorp
Classification: Likely benign for Hypertrophic cardiomyopathy. Last evaluated: 2026-01-05. Review status: criteria provided, single submitter. Criteria: Invitae Variant Classification Sherloc (09022015). Collection method: clinical testing. Allele origin: germline.

All of Us Research Program, National Institutes of Health
Classification: Likely benign for Cardiomyopathy. Last evaluated: 2023-12-01. Review status: criteria provided, single submitter. Criteria: ACMG Guidelines, 2015. Collection method: clinical testing. Allele origin: germline. Inheritance: Autosomal dominant inheritance. Observed: 7 variant alleles, 7 heterozygotes.
Comment: This study involves interpretation of variants in research participants for the purpose of population health screening. Participant phenotype was not available at the time of variant classification. Additional details can be found in publication PMID: 35346344, PMCID: PMC8962531

CHEO Genetics Diagnostic Laboratory, Children's Hospital of Eastern Ontario
Classification: Likely benign for Cardiomyopathy. Last evaluated: 2023-06-06. Review status: criteria provided, single submitter. Criteria: ACMG Guidelines, 2015. Collection method: clinical testing. Allele origin: germline.

Blueprint Genetics
Classification: Likely benign. Last evaluated: 2022-04-13. Review status: criteria provided, single submitter. Criteria: ACMG Guidelines, 2015. Collection method: clinical testing. Allele origin: germline.

Women's Health and Genetics/Laboratory Corporation of America, LabCorp
Classification: Likely benign. Last evaluated: 2021-05-16. Review status: criteria provided, single submitter. Criteria: LabCorp Variant Classification Summary - May 2015. Collection method: clinical testing. Allele origin: germline.

Color Diagnostics, LLC DBA Color Health
Classification: Likely benign for Cardiomyopathy. Last evaluated: 2018-11-21. Review status: criteria provided, single submitter. Criteria: ACMG Guidelines, 2015. Collection method: clinical testing. Allele origin: germline.

GeneDx
Classification: Benign. Last evaluated: 2014-04-09. Review status: criteria provided, single submitter. Criteria: GeneDx Variant Classification (06012015). Collection method: clinical testing. Allele origin: germline. Affected: yes.
Comment: This variant is considered likely benign or benign based on one or more of the following criteria: it is a conservative change, it occurs at a poorly conserved position in the protein, it is predicted to be benign by multiple in silico algorithms, and/or has population frequency not consistent with disease.

NM_000257.4(MYH7):c.1482T>C (p.Phe494=)

Gene: MYH7 (myosin heavy chain 7; minus strand). Cytogenetic location: 14q11.2.
Variant type: single nucleotide variant.
Coding change: c.1482T>C on transcript NM_000257.4 (MANE Select); coding-DNA position 1482, T replaced by C.
Protein change: p.Phe494=; no amino-acid change (phenylalanine 494 retained).
Molecular consequence: synonymous variant.
Genome position (GRCh38, 1-based): chr14:23,428,596, A>G on the plus strand (T>C on the coding strand, the complement: MYH7 is on the minus strand). VCF-style: chr14-23428596-A-G. GRCh37 (hg19) VCF-style: chr14-23897805-A-G.
Other names: p.F494F:TTT>TTC; c.1482T>C (LRG_384t1).
Identifiers: ClinVar variation 138394 (VCV000138394.18), dbSNP rs587781088, ClinGen allele CA010826.
Genomic context (GRCh38, chr14:23,428,596, plus strand): 5'-GCCAAAGTCAATGAATGTCCACTCGATGCCCTCCTTCTTGTACTCCTCCTGCTCCAGCAC[A>G]AACATGTGGTGGTTGAAGAACTGCTGCAGCTTCTCGTTGGTGAAGTTGATGCAGAGCTGC-3'
Protein context (NP_000248.2, residues 484-504): KLQQFFNHHM[Phe494=]VLEQEEYKKE